The following is an entry in ClinVar:

ClinVar aggregate classification (germline): Uncertain significance. Review status: criteria provided, multiple submitters, no conflicts (2 of 4 stars). 2 submissions from 2 submitters: Uncertain significance (2). Last evaluated 2024-11-18.

Conditions:
Hereditary cancer-predisposing syndrome. Also called: Neoplastic Syndromes, Hereditary; Tumor predisposition; Hereditary Cancer Syndrome; Hereditary neoplastic syndrome. Identifiers: Orphanet 140162, MedGen C0027672, MeSH D009386, MONDO:0015356.
Cowden syndrome 3 (CWS3). Identifiers: Orphanet 201, MedGen CN166604, MONDO:0014045.
Pheochromocytoma. Also called: MAX-Related Hereditary Paraganglioma-Pheochromocytoma Syndrome. Identifiers: Orphanet 29072, MedGen C0031511, MONDO:0008233, OMIM 171300, HP:0002666.
Paragangliomas with sensorineural hearing loss. Identifiers: MedGen C1868633.
Carney-Stratakis syndrome. Also called: PARAGANGLIOMA AND GASTROINTESTINAL STROMAL TUMOR. Identifiers: Orphanet 97286, MedGen C1847319, MONDO:0011740, OMIM 606864.

gnomAD v4.1: 1 of 1,614,242 alleles (0.000062%); highest among the groups gnomAD compares: Non-Finnish European, 0.000085%; no homozygotes.

Submissions (2):

Labcorp Genetics (formerly Invitae), Labcorp
Classification: Uncertain significance for Carney-Stratakis syndrome; Paragangliomas with sensorineural hearing loss; Pheochromocytoma; Cowden syndrome 3. Last evaluated: 2024-11-18. Review status: criteria provided, single submitter. Criteria: Invitae Variant Classification Sherloc (09022015). Collection method: clinical testing. Allele origin: germline.
Comment: This sequence change replaces alanine, which is neutral and non-polar, with threonine, which is neutral and polar, at codon 9 of the SDHD protein (p.Ala9Thr). This variant is not present in population databases (gnomAD no frequency). This variant has not been reported in the literature in individuals affected with SDHD-related conditions. ClinVar contains an entry for this variant (Variation ID: 653230). Invitae Evidence Modeling of protein sequence and biophysical properties (such as structural, functional, and spatial information, amino acid conservation, physicochemical variation, residue mobility, and thermodynamic stability) indicates that this missense variant is not expected to disrupt SDHD protein function with a negative predictive value of 95%. In summary, the available evidence is currently insufficient to determine the role of this variant in disease. Therefore, it has been classified as a Variant of Uncertain Significance.

Ambry Genetics
Classification: Uncertain significance for Hereditary cancer-predisposing syndrome. Last evaluated: 2023-10-19. Review status: criteria provided, single submitter. Criteria: Ambry Variant Classification Scheme 2023. Collection method: clinical testing. Allele origin: germline.
Comment: The p.A9T variant (also known as c.25G>A), located in coding exon 1 of the SDHD gene, results from a G to A substitution at nucleotide position 25. The alanine at codon 9 is replaced by threonine, an amino acid with similar properties. This amino acid position is conserved. In addition, the in silico prediction for this alteration is inconclusive. Since supporting evidence is limited at this time, the clinical significance of this alteration remains unclear.

NM_003002.4(SDHD):c.25G>A (p.Ala9Thr)

Genes: SDHD (succinate dehydrogenase complex subunit D; plus strand), LOC126861339 (BRD4-independent group 4 enhancer GRCh37_chr11:111957035-111958234; plus strand). Cytogenetic location: 11q23.1.
Variant type: single nucleotide variant.
Coding change: c.25G>A on transcript NM_003002.4 (MANE Select); coding-DNA position 25, G replaced by A.
Protein change: p.Ala9Thr; replaces alanine 9 with threonine.
Molecular consequence: missense variant. On other transcripts: non-coding transcript variant (1).
Genome position (GRCh38, 1-based): chr11:112,086,932, G>A. VCF-style: chr11-112086932-G-A. GRCh37 (hg19) VCF-style: chr11-111957656-G-A.
Other names: c.25G>A, p.Ala9Thr (NM_001276506.2, NM_001276503.2, NM_001276504.2); c.25G>A (NM_003002.2); short protein forms A9T.
Identifiers: ClinVar variation 653230 (VCV000653230.13), dbSNP rs772671893, ClinGen allele CA382616679.